The following is an entry in ClinVar:

NM_004606.5(TAF1):c.394G>C (p.Asp132His)

Gene: TAF1 (TATA-box binding protein associated factor 1; plus strand). Cytogenetic location: Xq13.1.
Variant type: single nucleotide variant.
Coding change: c.394G>C on transcript NM_004606.5 (MANE Select); coding-DNA position 394, G replaced by C.
Protein change: p.Asp132His; replaces aspartic acid 132 with histidine.
Molecular consequence: missense variant. On other transcripts: non-coding transcript variant (9).
Genome position (GRCh38, 1-based): chrX:71,375,208, G>C. VCF-style: chrX-71375208-G-C. GRCh37 (hg19) VCF-style: chrX-70595058-G-C.
Other names: c.394G>C, p.Asp132His (NM_001286074.2, NM_138923.4); short protein forms D132H.
Identifiers: ClinVar variation 1803719 (VCV001803719.3), dbSNP rs754359966, ClinGen allele CA10446563.

ClinVar aggregate classification (germline): Uncertain significance (1 of 4 stars; one submission).

Conditions:
TAF1-related X-linked syndromic intellectual disability.

Allele frequency attached by ClinVar (database versions not stated): ExAC 0.00001; gnomAD 0.00001; TOPMed 0.00001; 1000 Genomes Project 0.00026; 1000 Genomes Project 30x 0.00042.

Submission:

Illumina Laboratory Services, Illumina
Classification: Uncertain significance for TAF1-related X-linked syndromic intellectual disability. Last evaluated: 2022-05-19. Review status: criteria provided, single submitter. Criteria: ICSLVariantClassificationCriteria RUGD 01 April 2020. Collection method: clinical testing. Allele origin: unknown.
Comment: The TAF1 c.454G>C (p.Asp152His) missense variant results in the substitution of aspartic acid at amino acid 152 with histidine. To our knowledge, this variant has not been reported in the peer-reviewed literature. This variant is not found in version 2.1.1 or version 3.1.2 of the Genome Aggregation Database. However, it is present in two individuals in the TOPMed cohort; in one of these individuals it is found in either hemizygous or homozygous state since this individual's gender is unknown (Taliun et al. 2021). Missense variants within TAF1 are a well-established cause of TAF1-related X-linked syndromic intellectual disability (Cheng et al. 2019). Based on the available evidence, the c.454G>C (p.Asp152His) variant is classified as a variant of uncertain significance for TAF1-related X-linked syndromic intellectual disability.

Literature cited by the submitters: PubMed 31646703; PubMed 33568819.